The following is an entry in ClinVar:

ClinVar aggregate classification (germline): Pathogenic (1 of 4 stars; one submission).

Conditions:
Hereditary diffuse gastric adenocarcinoma (HDGC). Also called: DIFFUSE GASTRIC AND LOBULAR BREAST CANCER SYNDROME. Identifiers: Orphanet 26106, MedGen C1708349, MONDO:0007648, OMIM 137215.

Submission:

Myriad Genetics, Inc.
Classification: Pathogenic for Hereditary diffuse gastric adenocarcinoma. Last evaluated: 2023-06-08. Review status: criteria provided, single submitter. Criteria: Myriad Autosomal Dominant, Autosomal Recessive and X-Linked Classification Criteria (2023). Collection method: clinical testing. Allele origin: unknown.
Comment: This variant is considered pathogenic. This variant creates a frameshift predicted to result in premature protein truncation.

NM_004360.5(CDH1):c.419_420del (p.Leu140fs)

Gene: CDH1 (cadherin 1; plus strand). Cytogenetic location: 16q22.1.
Variant type: Deletion.
Coding change: c.419_420del on transcript NM_004360.5 (MANE Select); coding-DNA positions 419 to 420, 2 bases deleted (TC; older notation c.419_420delTC).
Protein change: p.Leu140fs; shifts the reading frame from leucine 140.
Molecular consequence: frameshift variant. On other transcripts: 5 prime UTR variant (2).
Genome position (GRCh38, 1-based): chr16:68,808,455-68,808,456, TC deleted; deleting any 2 consecutive bases within chr16:68,808,454-68,808,456 gives the same sequence; the c. name uses the placement nearest the transcript's 3' end. VCF-style (leftmost placement, unchanged base first): chr16-68808453-GCT-G. GRCh37 (hg19) VCF-style: chr16-68842356-GCT-G.
Other names: c.419_420del, p.Leu140fs (NM_001317184.2); c.-1197_-1196del (NM_001317185.2); c.-1401_-1400del (NM_001317186.2); short protein forms L140fs.
Identifiers: ClinVar variation 2583794 (VCV002583794.2), dbSNP rs2543914449, ClinGen allele CA2582342564.